The following is an entry in ClinVar:

ClinVar aggregate classification (germline): Benign. Review status: criteria provided, multiple submitters, no conflicts (2 of 4 stars). 3 submissions from 3 submitters: Benign (3). Last evaluated 2024-01-24.

Allele frequency attached by ClinVar (database versions not stated): TOPMed 0.08596; 1000 Genomes Project 0.08906; 1000 Genomes Project 30x 0.08979; gnomAD 0.09217 and 0.09447; gnomAD exomes 0.12296.
gnomAD v4.1: 106,114 of 903,320 alleles (12%); highest among the groups gnomAD compares: South Asian, 19%; 7,203 homozygotes.

Submissions (3):

Unidad de Genómica Garrahan, Hospital de Pediatría Garrahan
Classification: Benign. Last evaluated: 2024-01-24. Review status: criteria provided, single submitter. Criteria: ACMG Guidelines, 2015. Collection method: clinical testing. Allele origin: germline. Affected: no. Observed: 20 variant alleles.
Comment: This variant is classified as Benign based on local population frequency. This variant was detected in 21% of patients studied by a panel of primary immunodeficiencies. Number of patients: 20. Only high quality variants are reported.

GeneDx
Classification: Benign. Last evaluated: 2019-11-20. Review status: criteria provided, single submitter. Criteria: GeneDx Variant Classification Process June 2021. Collection method: clinical testing. Allele origin: germline. Affected: yes.

Breakthrough Genomics
Classification: Benign. Review status: criteria provided, single submitter. Criteria: ACMG Guidelines, 2015. Collection method: not provided. Allele origin: germline. Inheritance: Autosomal recessive inheritance. Affected: yes.

NM_014140.4(SMARCAL1):c.812-104T>C

Gene: SMARCAL1 (SNF2 related chromatin remodeling annealing helicase 1; plus strand). Cytogenetic location: 2q35.
Variant type: single nucleotide variant.
Coding change: c.812-104T>C on transcript NM_014140.4 (MANE Select); 104 bases into the intron before coding-DNA position 812, T replaced by C.
Molecular consequence: intron variant.
Genome position (GRCh38, 1-based): chr2:216,416,153, T>C. VCF-style: chr2-216416153-T-C. GRCh37 (hg19) VCF-style: chr2-217280876-T-C.
Other names: c.812-104T>C (NM_001127207.2).
Identifiers: ClinVar variation 1294534 (VCV001294534.5), dbSNP rs71577872, ClinGen allele CA11307268.